The following is an entry in ClinVar:

NM_170784.3(MKKS):c.1259A>G (p.Tyr420Cys)

Gene: MKKS (MKKS centrosomal shuttling protein; minus strand). Cytogenetic location: 20p12.2.
Variant type: single nucleotide variant.
Coding change: c.1259A>G on transcript NM_170784.3 (MANE Select); coding-DNA position 1259, A replaced by G.
Protein change: p.Tyr420Cys; replaces tyrosine 420 with cysteine.
Molecular consequence: missense variant. On other transcripts: non-coding transcript variant (1).
Genome position (GRCh38, 1-based): chr20:10,407,629, T>C on the plus strand (A>G on the coding strand, the complement: MKKS is on the minus strand). VCF-style: chr20-10407629-T-C. GRCh37 (hg19) VCF-style: chr20-10388277-T-C.
Other names: c.1259A>G, p.Tyr420Cys (NM_018848.3); short protein forms Y420C.
Identifiers: ClinVar variation 943992 (VCV000943992.9), dbSNP rs748071139, ClinGen allele CA9763524.
Genomic context (GRCh38, chr20:10,407,629, plus strand): 5'-AAAGTTGCTGAGAATTCAGGTAATCCGAAGAGGATTATCTTACATACCTTGTGTCTGATA[T>C]ATGCAGCCAAATGAGTTTCAGTACAGCCACCTCCCAACAAAGCCCATGGTTCCTTGAGTG-3'
Protein context (NP_740754.1, residues 410-430): GGCTETHLAA[Tyr420Cys]IRHKTHNDPE

ClinVar aggregate classification (germline): Uncertain significance. Review status: criteria provided, multiple submitters, no conflicts (2 of 4 stars). 3 submissions from 3 submitters: Uncertain significance (3). Last evaluated 2025-05-06.

Conditions:
Bardet-Biedl syndrome (BBS). Identifiers: Orphanet 110, MedGen C0752166, MONDO:0015229.
McKusick-Kaufman syndrome (MKKS). Also called: HYDROMETROCOLPOS SYNDROME; HYDROMETROCOLPOS, POSTAXIAL POLYDACTYLY, AND CONGENITAL HEART MALFORMATION. Identifiers: Orphanet 2473, MedGen C0948368, MONDO:0009367, OMIM 236700.

Allele frequency attached by ClinVar (database versions not stated): gnomAD exomes below 0.00001 and 0.00001; ExAC 0.00001; gnomAD 0.00001.
gnomAD v4.1: 9 of 1,613,414 alleles (0.00056%); highest among the groups gnomAD compares: Admixed American, 0.0017%; no homozygotes.

Submissions (3):

GeneDx
Classification: Uncertain significance. Last evaluated: 2025-05-06. Review status: criteria provided, single submitter. Criteria: GeneDx Variant Classification Process June 2021. Collection method: clinical testing. Allele origin: germline.
Comment: Not observed at significant frequency in large population cohorts (gnomAD); In silico analysis supports that this missense variant has a deleterious effect on protein structure/function; Has not been previously published as pathogenic or benign to our knowledge

Blueprint Genetics
Classification: Uncertain significance. Last evaluated: 2022-06-24. Review status: criteria provided, single submitter. Criteria: ACMG Guidelines, 2015. Collection method: clinical testing. Allele origin: germline.

Labcorp Genetics (formerly Invitae), Labcorp
Classification: Uncertain significance for McKusick-Kaufman syndrome; Bardet-Biedl syndrome. Last evaluated: 2021-08-30. Review status: criteria provided, single submitter. Criteria: Invitae Variant Classification Sherloc (09022015). Collection method: clinical testing. Allele origin: germline.
Comment: This sequence change replaces tyrosine with cysteine at codon 420 of the MKKS protein (p.Tyr420Cys). The tyrosine residue is highly conserved and there is a large physicochemical difference between tyrosine and cysteine. This variant is present in population databases (rs748071139, ExAC 0.002%). This variant has not been reported in the literature in individuals affected with MKKS-related conditions. Algorithms developed to predict the effect of missense changes on protein structure and function are either unavailable or do not agree on the potential impact of this missense change (SIFT: "Deleterious"; PolyPhen-2: "Benign"; Align-GVGD: "Class C65"). In summary, the available evidence is currently insufficient to determine the role of this variant in disease. Therefore, it has been classified as a Variant of Uncertain Significance.